The following is an entry in ClinVar:

NM_001844.5(COL2A1):c.43del (p.Leu15fs)

Gene: COL2A1 (collagen type II alpha 1 chain; minus strand). Cytogenetic location: 12q13.11.
Variant type: Deletion.
Coding change: c.43del on transcript NM_001844.5 (MANE Select); coding-DNA position 43, one base deleted (C; older notation c.43delC).
Protein change: p.Leu15fs; shifts the reading frame from leucine 15.
Molecular consequence: frameshift variant.
Genome position (GRCh38, 1-based): chr12:48,004,279, G deleted on the plus strand (C on the coding strand, the reverse complement: COL2A1 is on the minus strand). VCF-style (leftmost placement, unchanged base first): chr12-48004278-AG-A. GRCh37 (hg19) VCF-style: chr12-48398061-AG-A.
Other names: c.43del, p.Leu15fs (NM_033150.3); short protein forms L15fs.
Identifiers: ClinVar variation 4852799 (VCV004852799.1).

ClinVar aggregate classification (germline): Pathogenic (1 of 4 stars; one submission).

Conditions:
Stickler syndrome. Identifiers: Orphanet 828, MedGen C0265253, MONDO:0019354.

Submission:

Cambridge Genomics Laboratory, East Genomic Laboratory Hub, NHS Genomic Medicine Service
Classification: Pathogenic for Stickler syndrome. Last evaluated: 2026-05-22. Review status: criteria provided, single submitter. Criteria: ACGS Best Practice Guidelines for Variant Classification in Rare Disease 2020. Collection method: clinical testing. Allele origin: germline. Affected: yes.
Comment: PVS1,PM2